The following is an entry in ClinVar:

NM_000535.7(PMS2):c.120G>C (p.Lys40Asn)

Gene: PMS2 (PMS1 homolog 2, mismatch repair system component; minus strand). Cytogenetic location: 7p22.1.
Variant type: single nucleotide variant.
Coding change: c.120G>C on transcript NM_000535.7 (MANE Select); coding-DNA position 120, G replaced by C.
Protein change: p.Lys40Asn; replaces lysine 40 with asparagine.
Molecular consequence: missense variant. On other transcripts: 5 prime UTR variant (8), non-coding transcript variant (1), intron variant (3).
Genome position (GRCh38, 1-based): chr7:6,005,935, C>G on the plus strand (G>C on the coding strand, the complement: PMS2 is on the minus strand). VCF-style: chr7-6005935-C-G. GRCh37 (hg19) VCF-style: chr7-6045566-C-G.
Other names: c.-286G>C (NM_001322003.2, NM_001322005.2, NM_001322009.2 and 1 more transcripts); c.120G>C, p.Lys40Asn (NM_001322006.2, NM_001322014.2); c.-96G>C (NM_001322007.2); c.-765G>C (NM_001322011.2, NM_001322012.2); c.-365G>C (NM_001322015.2); c.-52-1877G>C (NM_001322008.2); c.-242-1877G>C (NM_001322010.2, NM_001322004.2); short protein forms K40N.
Identifiers: ClinVar variation 480374 (VCV000480374.14), dbSNP rs1060504843, ClinGen allele CA366745027.

ClinVar aggregate classification (germline): Uncertain significance. Review status: criteria provided, multiple submitters, no conflicts (2 of 4 stars). 4 submissions from 4 submitters: Uncertain significance (4). Last evaluated 2026-01-16.

Conditions:
Lynch syndrome 4 (LYNCH4). Also called: Colorectal cancer, hereditary nonpolyposis, type 4; Hereditary non-polyposis colorectal cancer, type 4. Identifiers: Orphanet 144, MedGen C1838333, MONDO:0013699, OMIM 614337. Disease mechanism: loss of function.
Mismatch repair cancer syndrome 4. Identifiers: MedGen C5436817, MONDO:0030843, OMIM 619101.
Hereditary cancer-predisposing syndrome. Also called: Hereditary Cancer Syndrome; Neoplastic Syndromes, Hereditary; Tumor predisposition; Hereditary neoplastic syndrome. Identifiers: Orphanet 140162, MedGen C0027672, MeSH D009386, MONDO:0015356.
Hereditary nonpolyposis colorectal neoplasms. Identifiers: MedGen C0009405, MeSH D003123.

Allele frequency attached by ClinVar (database versions not stated): gnomAD exomes below 0.00001 and 0.00001; TOPMed below 0.00001; gnomAD 0.00003.
gnomAD v4.1: 4 of 1,610,864 alleles (0.00025%); highest among the groups gnomAD compares: South Asian, 0.0033%; no homozygotes.

Submissions (4):

Labcorp Genetics (formerly Invitae), Labcorp
Classification: Uncertain significance for Hereditary nonpolyposis colorectal neoplasms. Last evaluated: 2026-01-16. Review status: criteria provided, single submitter. Criteria: Invitae Variant Classification Sherloc (09022015). Collection method: clinical testing. Allele origin: germline.
Comment: This sequence change replaces lysine, which is basic and polar, with asparagine, which is neutral and polar, at codon 40 of the PMS2 protein (p.Lys40Asn). This variant is present in population databases (no rsID available, gnomAD 0.007%). This variant has not been reported in the literature in individuals affected with PMS2-related conditions. ClinVar contains an entry for this variant (Variation ID: 480374). Invitae Evidence Modeling incorporating data from in vitro experimental studies (internal data) indicates that this missense variant is not expected to disrupt PMS2 function with a negative predictive value of 95%. In summary, the available evidence is currently insufficient to determine the role of this variant in disease. Therefore, it has been classified as a Variant of Uncertain Significance.

Ambry Genetics
Classification: Uncertain significance for Hereditary cancer-predisposing syndrome. Last evaluated: 2024-07-28. Review status: criteria provided, single submitter. Criteria: Ambry Variant Classification Scheme 2023. Collection method: clinical testing. Allele origin: germline.
Comment: The p.K40N variant (also known as c.120G>C), located in coding exon 2 of the PMS2 gene, results from a G to C substitution at nucleotide position 120. The lysine at codon 40 is replaced by asparagine, an amino acid with similar properties. This amino acid position is highly conserved in available vertebrate species. In addition, this alteration is predicted to be deleterious by in silico analysis. Since supporting evidence is limited at this time, the clinical significance of this alteration remains unclear.

Fulgent Genetics
Classification: Uncertain significance for Lynch syndrome 4; Mismatch repair cancer syndrome 4. Last evaluated: 2024-04-16. Review status: criteria provided, single submitter. Criteria: ACMG Guidelines, 2015. Collection method: clinical testing. Allele origin: germline.

Color Diagnostics, LLC DBA Color Health
Classification: Uncertain significance for Hereditary cancer-predisposing syndrome. Last evaluated: 2021-02-16. Review status: criteria provided, single submitter. Criteria: ACMG Guidelines, 2015. Collection method: clinical testing. Allele origin: germline.
Comment: This missense variant replaces lysine with asparagine at codon 40 of the PMS2 protein. Computational prediction suggests that this variant may have deleterious impact on protein structure and function (internally defined REVEL score threshold >= 0.7, PMID: 27666373). To our knowledge, functional studies have not been reported for this variant. This variant has not been reported in individuals affected with hereditary cancer in the literature. This variant has been identified in 3/277190 chromosomes in the general population by the Genome Aggregation Database (gnomAD). The available evidence is insufficient to determine the role of this variant in disease conclusively. Therefore, this variant is classified as a Variant of Uncertain Significance.